The following is an entry in ClinVar:

NM_024753.5(TTC21B):c.1965G>A (p.Arg655=)

Gene: TTC21B (tetratricopeptide repeat domain 21B; minus strand). Cytogenetic location: 2q24.3.
Variant type: single nucleotide variant.
Coding change: c.1965G>A on transcript NM_024753.5 (MANE Select); coding-DNA position 1965, G replaced by A.
Protein change: p.Arg655=; no amino-acid change (arginine 655 retained).
Molecular consequence: synonymous variant.
Genome position (GRCh38, 1-based): chr2:165,915,374, C>T on the plus strand (G>A on the coding strand, the complement: TTC21B is on the minus strand). VCF-style: chr2-165915374-C-T. GRCh37 (hg19) VCF-style: chr2-166771884-C-T.
Other names: p.Arg655=.
Identifiers: ClinVar variation 379762 (VCV000379762.31), dbSNP rs16822802, ClinGen allele CA1941964.

ClinVar aggregate classification (germline): Benign/Likely benign. Review status: criteria provided, multiple submitters, no conflicts (2 of 4 stars). 8 submissions from 7 submitters: Benign (7); Likely benign (1). Last evaluated 2026-01-27.

Conditions:
Asphyxiating thoracic dystrophy 4 (SRTD4). Also called: SHORT-RIB THORACIC DYSPLASIA 4 WITH OR WITHOUT POLYDACTYLY; SHORT-RIB THORACIC DYSPLASIA 4. Identifiers: Orphanet 474, MedGen C3151185, MONDO:0013441, OMIM 613819.
Nephronophthisis 12 (NPHP12). Identifiers: Orphanet 655, MedGen C3151186, MONDO:0013442, OMIM 613820.
Connective tissue disorder. Also called: Connective tissue disease. Identifiers: MedGen C0009782, MONDO:0003900.
Nephronophthisis. Also called: Juvenile Nephronophthisis. Identifiers: Orphanet 655, MedGen C0687120, MONDO:0019005, HP:0000090.
Jeune thoracic dystrophy. Also called: Jeune syndrome; Infantile thoracic dystrophy; Thoracic pelvic phalangeal dystrophy; Jeune's syndrome; Chondroectodermal dysplasia-like syndrome; Short-rib thoracic dysplasia. Identifiers: Orphanet 474, MedGen C0265275, MONDO:0018770.

Allele frequency attached by ClinVar (database versions not stated): gnomAD exomes 0.00075 and 0.00195; ExAC 0.00251; gnomAD 0.00754 and 0.00798; ESP Exome Variant Server 0.00800; TOPMed 0.00835; 1000 Genomes Project 0.01038; 1000 Genomes Project 30x 0.01187.
gnomAD v4.1: 2,283 of 1,613,976 alleles (0.14%); highest among the groups gnomAD compares: African/African-American, 2.7%; 34 homozygotes.

Submissions (8):

Labcorp Genetics (formerly Invitae), Labcorp
Classification: Benign for Jeune thoracic dystrophy; Nephronophthisis. Last evaluated: 2026-01-27. Review status: criteria provided, single submitter. Criteria: Invitae Variant Classification Sherloc (09022015). Collection method: clinical testing. Allele origin: germline.

ARUP Laboratories, Molecular Genetics and Genomics, ARUP Laboratories
Classification: Benign. Last evaluated: 2023-11-22. Review status: criteria provided, single submitter. Criteria: ARUP Molecular Germline Variant Investigation Process 2024. Collection method: clinical testing. Allele origin: germline.

Mayo Clinic Laboratories, Mayo Clinic
Classification: Benign. Last evaluated: 2023-04-06. Review status: criteria provided, single submitter. Criteria: ACMG Guidelines, 2015. Collection method: clinical testing. Allele origin: germline. Observed: 4 variant alleles.
Comment: BS1, BS2, BP4, BP7

Genome Diagnostics Laboratory, The Hospital for Sick Children
Classification: Likely benign for Connective tissue disorder. Last evaluated: 2021-06-18. Review status: criteria provided, single submitter. Criteria: ACMG Guidelines, 2015. Collection method: clinical testing. Allele origin: germline.

Illumina Laboratory Services, Illumina
Classification: Benign for Asphyxiating thoracic dystrophy 4. Last evaluated: 2018-01-12. Review status: criteria provided, single submitter. Criteria: ICSL Variant Classification Criteria 13 December 2019. Collection method: clinical testing. Allele origin: germline.
Comment: This variant was observed in the ICSL laboratory as part of a predisposition screen in an ostensibly healthy population. It had not been previously curated by ICSL or reported in the Human Gene Mutation Database (HGMD: prior to June 1st, 2018), and was therefore a candidate for classification through an automated scoring system. Utilizing variant allele frequency, disease prevalence and penetrance estimates, and inheritance mode, an automated score was calculated to assess if this variant is too frequent to cause the disease. Based on the score and internal cut-off values, a variant classified as benign is not then subjected to further curation. The score for this variant resulted in a classification of benign for this disease.

Illumina Laboratory Services, Illumina
Classification: Benign for Nephronophthisis 12. Last evaluated: 2018-01-12. Review status: criteria provided, single submitter. Criteria: ICSL Variant Classification Criteria 13 December 2019. Collection method: clinical testing. Allele origin: germline.
Comment: the same text as in the submission from Illumina Laboratory Services, Illumina above.

GeneDx
Classification: Benign. Last evaluated: 2016-05-10. Review status: criteria provided, single submitter. Criteria: GeneDx Variant Classification (06012015). Collection method: clinical testing. Allele origin: germline. Affected: yes.
Comment: This variant is considered likely benign or benign based on one or more of the following criteria: it is a conservative change, it occurs at a poorly conserved position in the protein, it is predicted to be benign by multiple in silico algorithms, and/or has population frequency not consistent with disease.

Breakthrough Genomics
Classification: Benign. Review status: criteria provided, single submitter. Criteria: ACMG Guidelines, 2015. Collection method: not provided. Allele origin: germline. Inheritance: Autosomal recessive inheritance. Affected: yes.

Literature cited by the submitters: PubMed 21258341 (cited by Mayo Clinic Laboratories, Mayo Clinic).